The following is an entry in ClinVar:

ClinVar aggregate classification (germline): Likely benign. Review status: criteria provided, single submitter (1 of 4 stars). 2 submissions from 2 submitters: Likely benign (1). 1 of the submissions does not count toward it. Last evaluated 2026-07-07.

Conditions:
Hereditary cancer-predisposing syndrome. Also called: Tumor predisposition; Hereditary Cancer Syndrome; Hereditary neoplastic syndrome; Neoplastic Syndromes, Hereditary. Identifiers: Orphanet 140162, MedGen C0027672, MeSH D009386, MONDO:0015356.
EGFR-related disorder. Also called: EGFR-related condition.

gnomAD v4.1: 41 of 1,614,148 alleles (0.0025%); highest among the groups gnomAD compares: African/African-American, 0.045%; no homozygotes.

Submissions (2):

Ambry Genetics
Classification: Likely benign for Hereditary cancer-predisposing syndrome. Last evaluated: 2026-07-07. Review status: criteria provided, single submitter. Criteria: Ambry Variant Classification Scheme 2023. Collection method: clinical testing. Allele origin: germline.

PreventionGenetics, part of Exact Sciences
Classification: Uncertain significance for EGFR-related condition. Last evaluated: 2024-04-26. Review status: no assertion criteria provided. Collection method: clinical testing. Allele origin: germline. Not counted in ClinVar's aggregate classification.
Comment: The EGFR c.1903G>T variant is predicted to result in the amino acid substitution p.Ala635Ser. To our knowledge, this variant has not been reported in the literature. This variant is reported in 0.052% of alleles in individuals of African descent in gnomAD. At this time, the clinical significance of this variant is uncertain due to the absence of conclusive functional and genetic evidence.

NM_005228.5(EGFR):c.1881-846G>T

Gene: EGFR (epidermal growth factor receptor; plus strand). Cytogenetic location: 7p11.2.
Variant type: single nucleotide variant.
Coding change: c.1881-846G>T on transcript NM_005228.5 (MANE Select); 846 bases into the intron before coding-DNA position 1881, G replaced by T.
Molecular consequence: intron variant. On other transcripts: missense variant (1).
Genome position (GRCh38, 1-based): chr7:55,170,329, G>T. VCF-style: chr7-55170329-G-T. GRCh37 (hg19) VCF-style: chr7-55238022-G-T.
Other names: c.1903G>T, p.Ala635Ser (NM_201284.2); c.1746-846G>T (NM_001346899.2, NM_001346897.2); c.1080-846G>T (NM_001346941.2); c.1881-846G>T (NM_001346898.2); c.1722-846G>T (NM_001346900.2); short protein forms A635S.
Identifiers: ClinVar variation 3358183 (VCV003358183.2).